The following is an entry in ClinVar:

ClinVar aggregate classification (germline): Likely pathogenic (1 of 4 stars; one submission).

Conditions:
Rubinstein-Taybi syndrome due to EP300 haploinsufficiency. Also called: RUBINSTEIN-TAYBI SYNDROME 2; EP300-Related Rubinstein-Taybi Syndrome. Identifiers: Orphanet 353284, Orphanet 783, MedGen C3150941, MONDO:0013364, OMIM 613684.

Submission:

Labcorp Genetics (formerly Invitae), Labcorp
Classification: Likely pathogenic for Rubinstein-Taybi syndrome due to EP300 haploinsufficiency. Last evaluated: 2022-03-11. Review status: criteria provided, single submitter. Criteria: Invitae Variant Classification Sherloc (09022015). Collection method: clinical testing. Allele origin: germline.
Comment: This variant disrupts the C-terminus of the EP300 protein. Other variant(s) that disrupt this region (p.Pro2116Leufs*18, p.Asn2305Lysfs*47, and p.Pro2367Argfs*36) have been observed in individuals with EP300-related conditions (PMID: 17299436, 27648933, 33043588). This suggests that this may be a clinically significant region of the protein. In summary, the currently available evidence indicates that the variant is pathogenic, but additional data are needed to prove that conclusively. Therefore, this variant has been classified as Likely Pathogenic. This variant has not been reported in the literature in individuals affected with EP300-related conditions. This variant is not present in population databases (gnomAD no frequency). This sequence change creates a premature translational stop signal (p.Gly1966Valfs*2) in the EP300 gene. While this is not anticipated to result in nonsense mediated decay, it is expected to disrupt the last 449 amino acid(s) of the EP300 protein.

Literature cited by the submitters: PubMed 17299436; PubMed 27648933; PubMed 33043588.

NM_001429.4(EP300):c.5897del (p.Gly1966fs)

Gene: EP300 (EP300 lysine acetyltransferase; plus strand). Cytogenetic location: 22q13.2.
Variant type: Deletion.
Coding change: c.5897del on transcript NM_001429.4 (MANE Select); coding-DNA position 5897, one base deleted (G; older notation c.5897delG).
Protein change: p.Gly1966fs; shifts the reading frame from glycine 1966.
Molecular consequence: frameshift variant.
Genome position (GRCh38, 1-based): chr22:41,177,608, G deleted; the last of 3 consecutive G bases (chr22:41,177,606-41,177,608); deleting any one gives the same sequence. VCF-style (leftmost placement, unchanged base first): chr22-41177605-TG-T. GRCh37 (hg19) VCF-style: chr22-41573609-TG-T.
Other names: c.5819del, p.Gly1940fs (NM_001362843.2); short protein forms G1940fs, G1966fs.
Identifiers: ClinVar variation 2413427 (VCV002413427.6), dbSNP rs2517833597, ClinGen allele CA2580099819.